The following is an entry in ClinVar:

ClinVar aggregate classification (germline): Uncertain significance (1 of 4 stars; one submission).

Conditions:
Catecholaminergic polymorphic ventricular tachycardia (CVPT). Also called: Catecholamine-induced polymorphic ventricular tachycardia. Identifiers: Orphanet 3286, MedGen C5574922, MONDO:0017990.

Allele frequency attached by ClinVar (database versions not stated): gnomAD exomes below 0.00001.
gnomAD v4.1: 1 of 1,612,612 alleles (0.000062%); highest among the groups gnomAD compares: Non-Finnish European, 0.000085%; no homozygotes.

Submission:

All of Us Research Program, National Institutes of Health
Classification: Uncertain significance for Catecholaminergic polymorphic ventricular tachycardia. Last evaluated: 2023-06-28. Review status: criteria provided, single submitter. Criteria: ACMG Guidelines, 2015. Collection method: clinical testing. Allele origin: germline. Inheritance: Autosomal dominant inheritance. Observed: 1 variant allele, 1 heterozygote.
Comment: This study involves interpretation of variants in research participants for the purpose of population health screening. Participant phenotype was not available at the time of variant classification. Additional details can be found in publication PMID: 35346344, PMCID: PMC8962531

NM_001035.3(RYR2):c.13416A>T (p.Glu4472Asp)

Gene: RYR2 (ryanodine receptor 2; plus strand). Cytogenetic location: 1q43.
Variant type: single nucleotide variant.
Coding change: c.13416A>T on transcript NM_001035.3 (MANE Select); coding-DNA position 13416, A replaced by T.
Protein change: p.Glu4472Asp; replaces glutamic acid 4472 with aspartic acid.
Molecular consequence: missense variant.
Genome position (GRCh38, 1-based): chr1:237,788,075, A>T. VCF-style: chr1-237788075-A-T. GRCh37 (hg19) VCF-style: chr1-237951375-A-T.
Other names: short protein forms E4472D.
Identifiers: ClinVar variation 3072076 (VCV003072076.1), dbSNP rs2527856587, ClinGen allele CA345416548.